The following is an entry in ClinVar:

NM_032776.3(JMJD1C):c.3995G>T (p.Arg1332Ile)

Gene: JMJD1C (jumonji domain containing 1C; minus strand). Cytogenetic location: 10q21.3.
Variant type: single nucleotide variant.
Coding change: c.3995G>T on transcript NM_032776.3 (MANE Select); coding-DNA position 3995, G replaced by T.
Protein change: p.Arg1332Ile; replaces arginine 1332 with isoleucine.
Molecular consequence: missense variant. On other transcripts: non-coding transcript variant (1).
Genome position (GRCh38, 1-based): chr10:63,207,674, C>A on the plus strand (G>T on the coding strand, the complement: JMJD1C is on the minus strand). VCF-style: chr10-63207674-C-A. GRCh37 (hg19) VCF-style: chr10-64967434-C-A.
Other names: c.3449G>T, p.Arg1150Ile (NM_001282948.2, NM_001318154.2); c.3131G>T, p.Arg1044Ile (NM_001318153.2); c.3881G>T, p.Arg1294Ile (NM_001322252.2); c.3338G>T, p.Arg1113Ile (NM_001322254.2, NM_001322258.2); short protein forms R1044I, R1150I, R1113I, R1332I, R1294I.
Identifiers: ClinVar variation 1039873 (VCV001039873.8), dbSNP rs1846802882, ClinGen allele CA377038960.

ClinVar aggregate classification (germline): Uncertain significance (1 of 4 stars; one submission).

Conditions:
Early Myoclonic Encephalopathy. Identifiers: MedGen C0270855.

gnomAD v4.1: 1 of 1,614,140 alleles (0.000062%); no homozygotes.

Submission:

Labcorp Genetics (formerly Invitae), Labcorp
Classification: Uncertain significance for Early Myoclonic Encephalopathy. Last evaluated: 2020-03-14. Review status: criteria provided, single submitter. Criteria: Invitae Variant Classification Sherloc (09022015). Collection method: clinical testing. Allele origin: germline.
Comment: This sequence change replaces arginine with isoleucine at codon 1332 of the JMJD1C protein (p.Arg1332Ile). The arginine residue is highly conserved and there is a moderate physicochemical difference between arginine and isoleucine. In summary, the available evidence is currently insufficient to determine the role of this variant in disease. Therefore, it has been classified as a Variant of Uncertain Significance. Algorithms developed to predict the effect of missense changes on protein structure and function are either unavailable or do not agree on the potential impact of this missense change (SIFT: "Deleterious"; PolyPhen-2: "Benign"; Align-GVGD: "Class C0"). This variant has not been reported in the literature in individuals with JMJD1C-related conditions. This variant is not present in population databases (ExAC no frequency).